The following is an entry in ClinVar:

ClinVar aggregate classification (germline): Uncertain significance. Review status: criteria provided, single submitter (1 of 4 stars). 2 submissions from 2 submitters: Uncertain significance (1). 1 of the submissions does not count toward it. Last evaluated 2024-02-22.

Conditions:
HUWE1-related disorder. Also called: HUWE1-related condition.

Submissions (2):

Blueprint Genetics
Classification: Uncertain significance. Last evaluated: 2024-02-22. Review status: criteria provided, single submitter. Criteria: ACMG Guidelines, 2015. Collection method: clinical testing. Allele origin: germline.

PreventionGenetics, part of Exact Sciences
Classification: Uncertain significance for HUWE1-related condition. Last evaluated: 2024-07-16. Review status: no assertion criteria provided. Collection method: clinical testing. Allele origin: germline. Not counted in ClinVar's aggregate classification.
Comment: The HUWE1 c.3689T>C variant is predicted to result in the amino acid substitution p.Val1230Ala. To our knowledge, this variant has not been reported in the literature or in a large population database, indicating this variant is rare. At this time, the clinical significance of this variant is uncertain due to the absence of conclusive functional and genetic evidence.

NM_031407.7(HUWE1):c.3689T>C (p.Val1230Ala)

Genes: HUWE1 (HECT, UBA and WWE domain containing E3 ubiquitin protein ligase 1; minus strand), LOC126863263 (BRD4-independent group 4 enhancer GRCh37_chrX:53619238-53620437; plus strand). Cytogenetic location: Xp11.22.
Variant type: single nucleotide variant.
Coding change: c.3689T>C on transcript NM_031407.7 (MANE Select); coding-DNA position 3689, T replaced by C.
Protein change: p.Val1230Ala; replaces valine 1230 with alanine.
Molecular consequence: missense variant.
Genome position (GRCh38, 1-based): chrX:53,593,416, A>G on the plus strand (T>C on the coding strand, the complement: HUWE1 is on the minus strand). VCF-style: chrX-53593416-A-G. GRCh37 (hg19) VCF-style: chrX-53620376-A-G.
Other names: short protein forms V1230A.
Identifiers: ClinVar variation 3345480 (VCV003345480.2).